The following is an entry in ClinVar:

NM_000038.6(APC):c.2576G>C (p.Gly859Ala)

Gene: APC (APC regulator of Wnt signaling pathway; plus strand). Cytogenetic location: 5q22.2.
Variant type: single nucleotide variant.
Coding change: c.2576G>C on transcript NM_000038.6 (MANE Select); coding-DNA position 2576, G replaced by C.
Protein change: p.Gly859Ala; replaces glycine 859 with alanine.
Molecular consequence: missense variant.
Genome position (GRCh38, 1-based): chr5:112,838,170, G>C. VCF-style: chr5-112838170-G-C. GRCh37 (hg19) VCF-style: chr5-112173867-G-C.
Other names: c.2576G>C, p.Gly859Ala (NM_001127510.3, NM_001354895.2); c.2522G>C, p.Gly841Ala (NM_001127511.3); c.2630G>C, p.Gly877Ala (NM_001354896.2); c.2606G>C, p.Gly869Ala (NM_001354897.2); c.2501G>C, p.Gly834Ala (NM_001354898.2); c.2492G>C, p.Gly831Ala (NM_001354899.2); c.2453G>C, p.Gly818Ala (NM_001354900.2); c.2399G>C, p.Gly800Ala (NM_001354901.2); and 5 more; short protein forms G800A, G818A, G877A, G733A, G758A, G768A, G841A, G859A.
Identifiers: ClinVar variation 821511 (VCV000821511.4), dbSNP rs1580624277, ClinGen allele CA16026977.

ClinVar aggregate classification (germline): Uncertain significance (1 of 4 stars; one submission).

Conditions:
Hereditary cancer-predisposing syndrome. Also called: Tumor predisposition; Hereditary Cancer Syndrome; Neoplastic Syndromes, Hereditary; Hereditary neoplastic syndrome. Identifiers: Orphanet 140162, MedGen C0027672, MeSH D009386, MONDO:0015356.

Allele frequency attached by ClinVar (database versions not stated): gnomAD exomes below 0.00001.
gnomAD v4.1: 1 of 1,614,178 alleles (0.000062%); highest among the groups gnomAD compares: Non-Finnish European, 0.000085%; no homozygotes.

Submission:

Ambry Genetics
Classification: Uncertain significance for Hereditary cancer-predisposing syndrome. Last evaluated: 2019-03-18. Review status: criteria provided, single submitter. Criteria: Ambry Variant Classification Scheme 2023. Collection method: clinical testing. Allele origin: germline.
Comment: The p.G859A variant (also known as c.2576G>C), located in coding exon 15 of the APC gene, results from a G to C substitution at nucleotide position 2576. The glycine at codon 859 is replaced by alanine, an amino acid with similar properties. This amino acid position is not well conserved in available vertebrate species. In addition, in silico predictors for this gene do not accurately predict pathogenicity. Since supporting evidence is limited at this time, the clinical significance of this alteration remains unclear.